The following is an entry in ClinVar:

ClinVar aggregate classification (germline): Likely benign (1 of 4 stars; one submission).

Conditions:
Catecholaminergic polymorphic ventricular tachycardia (CVPT). Also called: Catecholamine-induced polymorphic ventricular tachycardia. Identifiers: Orphanet 3286, MedGen C5574922, MONDO:0017990.

Submission:

All of Us Research Program, National Institutes of Health
Classification: Likely benign for Catecholaminergic polymorphic ventricular tachycardia. Last evaluated: 2023-11-20. Review status: criteria provided, single submitter. Criteria: ACMG Guidelines, 2015. Collection method: clinical testing. Allele origin: germline. Inheritance: Autosomal dominant inheritance. Observed: 1 variant allele, 1 heterozygote.
Comment: This study involves interpretation of variants in research participants for the purpose of population health screening. Participant phenotype was not available at the time of variant classification. Additional details can be found in publication PMID: 35346344, PMCID: PMC8962531

NM_001035.3(RYR2):c.9609T>C (p.Asp3203=)

Gene: RYR2 (ryanodine receptor 2; plus strand). Cytogenetic location: 1q43.
Variant type: single nucleotide variant.
Coding change: c.9609T>C on transcript NM_001035.3 (MANE Select); coding-DNA position 9609, T replaced by C.
Protein change: p.Asp3203=; no amino-acid change (aspartic acid 3203 retained).
Molecular consequence: synonymous variant.
Genome position (GRCh38, 1-based): chr1:237,706,977, T>C. VCF-style: chr1-237706977-T-C. GRCh37 (hg19) VCF-style: chr1-237870277-T-C.
Identifiers: ClinVar variation 3074706 (VCV003074706.1), dbSNP rs2547401179, ClinGen allele CA424031526.
Genomic context (GRCh38, chr1:237,706,977, plus strand): 5'-AATATCATCCATTTTTATATGTACTTCTCCAGCTCTCAGTTTGCCAACTAATGTGGAAGA[T>C]GTTTGTCCAAACATACCGTCTTTGGAGAAACTCATGGAAGAAATCGTGGAATTAGCCGAG-3'
Protein context (NP_001026.2, residues 3193-3213): AALSLPTNVE[Asp3203=]VCPNIPSLEK